The following is an entry in ClinVar:

NM_001378454.1(ALMS1):c.280C>G (p.Pro94Ala)

Gene: ALMS1 (ALMS1 centrosome and basal body associated protein; plus strand). Cytogenetic location: 2p13.1.
Variant type: single nucleotide variant.
Coding change: c.280C>G on transcript NM_001378454.1 (MANE Select); coding-DNA position 280, C replaced by G.
Protein change: p.Pro94Ala; replaces proline 94 with alanine.
Molecular consequence: missense variant.
Genome position (GRCh38, 1-based): chr2:73,386,148, C>G. VCF-style: chr2-73386148-C-G. GRCh37 (hg19) VCF-style: chr2-73613276-C-G.
Other names: c.283C>G, p.Pro95Ala (NM_015120.4); short protein forms P94A, P95A.
Identifiers: ClinVar variation 1408975 (VCV001408975.4), dbSNP rs775431837, ClinGen allele CA347250983.
Genomic context (GRCh38, chr2:73,386,148, plus strand): 5'-GAGGAGGCCAAGGCCTGGCTGCAGGCGCACCCCGGCAGGATTTTGCCTCCGCTGTCGCCC[C>G]CGCAGCACCGCTACTCGGAGGGCGAGCGGACCTCCCTGGAGAAGGTGAGGCGGGCCGGGG-3'
Protein context (NP_001365383.1, residues 84-104): PGRILPPLSP[Pro94Ala]QHRYSEGERT

ClinVar aggregate classification (germline): Uncertain significance (1 of 4 stars; one submission).

Conditions:
Alstrom syndrome (ALMS). Identifiers: Orphanet 64, MedGen C0268425, MONDO:0008763, OMIM 203800.

gnomAD v4.1: 5 of 1,556,432 alleles (0.00032%); highest among the groups gnomAD compares: Non-Finnish European, 0.00043%; no homozygotes.

Submission:

Labcorp Genetics (formerly Invitae), Labcorp
Classification: Uncertain significance for Alstrom syndrome. Last evaluated: 2025-05-12. Review status: criteria provided, single submitter. Criteria: Invitae Variant Classification Sherloc (09022015). Collection method: clinical testing. Allele origin: germline.
Comment: This sequence change replaces proline with alanine at codon 95 of the ALMS1 protein (p.Pro95Ala). The proline residue is moderately conserved and there is a small physicochemical difference between proline and alanine. This variant is not present in population databases (gnomAD no frequency). This variant has not been reported in the literature in individuals affected with ALMS1-related conditions. ClinVar contains an entry for this variant (Variation ID: 1408975). Experimental studies and prediction algorithms are not available or were not evaluated, and the functional significance of this variant is currently unknown. In summary, the available evidence is currently insufficient to determine the role of this variant in disease. Therefore, it has been classified as a Variant of Uncertain Significance.